The following is an entry in ClinVar:

NM_007294.4(BRCA1):c.2872T>A (p.Phe958Ile)

Gene: BRCA1 (BRCA1 DNA repair associated; minus strand). Cytogenetic location: 17q21.31.
Variant type: single nucleotide variant.
Coding change: c.2872T>A on transcript NM_007294.4 (MANE Select); coding-DNA position 2872, T replaced by A.
Protein change: p.Phe958Ile; replaces phenylalanine 958 with isoleucine.
Molecular consequence: missense variant. On other transcripts: intron variant (137).
Genome position (GRCh38, 1-based): chr17:43,092,659, A>T on the plus strand (T>A on the coding strand, the complement: BRCA1 is on the minus strand). VCF-style: chr17-43092659-A-T. GRCh37 (hg19) VCF-style: chr17-41244676-A-T.
Other names: c.2659T>A, p.Phe887Ile (NM_001407896.1, NM_001407897.1, NM_001407898.1 and 9 more transcripts); c.2662T>A, p.Phe888Ile (NM_001407900.1, NM_001407902.1, NM_001407904.1 and 13 more transcripts); c.2749T>A, p.Phe917Ile (NM_001407919.1, NM_001407937.1, NM_001407938.1 and 19 more transcripts); c.2608T>A, p.Phe870Ile (NM_001407920.1, NM_001407921.1, NM_001407922.1 and 9 more transcripts); c.2605T>A, p.Phe869Ile (NM_001407930.1, NM_001407931.1, NM_001407932.1 and 2 more transcripts); c.2746T>A, p.Phe916Ile (NM_001407940.1, NM_001407941.1, NM_001407649.1 and 11 more transcripts); c.2731T>A, p.Phe911Ile (NM_001407942.1, NM_001407944.1, NM_001407945.1 and 29 more transcripts); c.2728T>A, p.Phe910Ile (NM_001407943.1, NM_001407964.1, NM_001407740.1 and 20 more transcripts); and 41 more; short protein forms F958I, F911I, F846I, F869I, F887I, F910I, F916I, F955I.
Identifiers: ClinVar variation 54706 (VCV000054706.17), dbSNP rs80356878, ClinGen allele CA001874.
Genomic context (GRCh38, chr17:43,092,659, plus strand): 5'-ATGGGTTTTGTAAAAGTCCATGTTTATTTGGAGTAATGAGTCCAGTTTCGTTGCCTCTGA[A>T]CTGAGATGATAGACAAAACCTAGAGCCTCCTTTGATACTACATTTGGCATTATCAACTGG-3'
Protein context (NP_009225.1, residues 948-968): GGSRFCLSSQ[Phe958Ile]RGNETGLITP

ClinVar aggregate classification (germline): Conflicting classifications of pathogenicity. Review status: criteria provided, conflicting classifications (1 of 4 stars). 6 submissions from 6 submitters: Uncertain significance (4); Likely benign (1). 1 of the submissions does not count toward it. Last evaluated 2023-06-14.

Conditions:
Hereditary cancer-predisposing syndrome. Also called: Tumor predisposition; Neoplastic Syndromes, Hereditary; Hereditary Cancer Syndrome; Hereditary neoplastic syndrome. Identifiers: Orphanet 140162, MedGen C0027672, MeSH D009386, MONDO:0015356.
Hereditary breast ovarian cancer syndrome. Also called: Hereditary breast and ovarian cancer syndrome (HBOC); Hereditary breast and ovarian cancer syndrome; Hereditary breast and ovarian cancer; Hereditary breast and/or ovarian cancer syndrome; Breast and ovarian cancer; BRCA1- and BRCA2-Associated Hereditary Breast and Ovarian Cancer. Identifiers: Orphanet 145, MedGen C0677776, MeSH D061325, MONDO:0003582. Disease mechanism: loss of function.
Breast-ovarian cancer, familial, susceptibility to, 1 (BROVCA1). Also called: OVARIAN CANCER, SUSCEPTIBILITY TO; BRCA1 Hereditary Breast and Ovarian Cancer. Identifiers: Orphanet 145, MedGen C2676676, MONDO:0011450, OMIM 604370. Disease mechanism: loss of function.

Submissions (6):

Color Diagnostics, LLC DBA Color Health
Classification: Uncertain significance for Hereditary cancer-predisposing syndrome. Last evaluated: 2023-06-14. Review status: criteria provided, single submitter. Criteria: ACMG Guidelines, 2015. Collection method: clinical testing. Allele origin: germline.
Comment: This missense variant replaces phenylalanine with isoleucine at codon 958 of the BRCA1 protein. Computational prediction suggests that this variant may not impact protein structure and function (internally defined REVEL score threshold <= 0.5, PMID: 27666373). To our knowledge, functional studies have not been reported for this variant. This variant has been reported in a multifactorial analysis with likelihood ratios for pathogenicity based on co-occurrence with a pathogenic covariant and family history of 1.0673 and 0.8911, respectively (PMID: 31131967). This variant has not been identified in the general population by the Genome Aggregation Database (gnomAD). The available evidence is insufficient to determine the role of this variant in disease conclusively. Therefore, this variant is classified as a Variant of Uncertain Significance.

Quest Diagnostics Nichols Institute San Juan Capistrano
Classification: Uncertain significance. Last evaluated: 2023-05-02. Review status: criteria provided, single submitter. Criteria: Quest Diagnostics criteria. Collection method: clinical testing. Allele origin: unknown.
Comment: The variant has not been reported in individuals with BRCA1 related conditions in the published literature. It also has not been reported in large, multi-ethnic general populations. Analysis of this variant using bioinformatics tools for the prediction of the effect of amino acid changes on protein structure and function yielded conflicting predictions that this variant is benign or damaging. Based on the available information, we are unable to determine the clinical significance of this variant.

University of Washington Department of Laboratory Medicine, University of Washington
Classification: Likely benign for Hereditary cancer-predisposing syndrome. Last evaluated: 2023-03-23. Review status: criteria provided, single submitter. Criteria: Dines et al. (Genet Med. 2020). Collection method: curation. Allele origin: germline.
Comment: Missense variant in a coldspot region where missense variants are very unlikely to be pathogenic (PMID:31911673).

BRCA1 coldspot (exon 11 using historical exon numbering). Reclassification based on statistical prior probability

Ambry Genetics
Classification: Uncertain significance for Hereditary cancer-predisposing syndrome. Last evaluated: 2022-04-01. Review status: criteria provided, single submitter. Criteria: Ambry Variant Classification Scheme 2023. Collection method: clinical testing. Allele origin: germline.
Comment: The p.F958I variant (also known as c.2872T>A), located in coding exon 9 of the BRCA1 gene, results from a T to A substitution at nucleotide position 2872. The phenylalanine at codon 958 is replaced by isoleucine, an amino acid with highly similar properties. This amino acid position is not well conserved in available vertebrate species. In addition, the in silico prediction for this alteration is inconclusive. Since supporting evidence is limited at this time, the clinical significance of this alteration remains unclear.

Labcorp Genetics (formerly Invitae), Labcorp
Classification: Uncertain significance for Hereditary breast ovarian cancer syndrome. Last evaluated: 2019-03-03. Review status: criteria provided, single submitter. Criteria: Invitae Variant Classification Sherloc (09022015). Collection method: clinical testing. Allele origin: germline.
Comment: In summary, the available evidence is currently insufficient to determine the role of this variant in disease. Therefore, it has been classified as a Variant of Uncertain Significance. Algorithms developed to predict the effect of missense changes on protein structure and function are either unavailable or do not agree on the potential impact of this missense change (SIFT: "Tolerated"; PolyPhen-2: "Possibly Damaging"; Align-GVGD: "Class C0"). This variant has been observed in an individual undergoing screening for BRCA1 mutations (PMID: 16267036). ClinVar contains an entry for this variant (Variation ID: 54706). This variant is not present in population databases (ExAC no frequency). This sequence change replaces phenylalanine with isoleucine at codon 958 of the BRCA1 protein (p.Phe958Ile). The phenylalanine residue is moderately conserved and there is a small physicochemical difference between phenylalanine and isoleucine.

Breast Cancer Information Core (BIC) (BRCA1)
Classification: Uncertain significance for Breast-ovarian cancer, familial 1. Last evaluated: 2004-02-20. Review status: no assertion criteria provided. Collection method: clinical testing. Allele origin: germline. Affected: yes. Observed: 1 variant allele. Not counted in ClinVar's aggregate classification.

Literature cited by the submitters: PubMed 31131967 (cited by Color Diagnostics, LLC DBA Color Health); PubMed 31911673 (cited by Quest Diagnostics Nichols Institute San Juan Capistrano); PubMed 16267036 (cited by Labcorp Genetics (formerly Invitae), Labcorp).